The following is an entry in ClinVar:

ClinVar aggregate classification (germline): Uncertain significance. Review status: criteria provided, multiple submitters, no conflicts (2 of 4 stars). 2 submissions from 2 submitters: Uncertain significance (2). Last evaluated 2022-02-20.

Conditions:
Charcot-Marie-Tooth disease recessive intermediate C. Also called: CHARCOT-MARIE-TOOTH NEUROPATHY, RECESSIVE INTERMEDIATE C. Identifiers: Orphanet 369867, MedGen C3809309, MONDO:0014154, OMIM 615376.
Neuronopathy, distal hereditary motor, autosomal recessive 4. Also called: Autosomal recessive lower motor neuron disease with childhood onset; NEUROPATHY, DISTAL HEREDITARY MOTOR, AUTOSOMAL RECESSIVE 4. Identifiers: Orphanet 206580, MedGen C1970211, MONDO:0012608, OMIM 611067.

Allele frequency attached by ClinVar (database versions not stated): ExAC 0.00001; gnomAD 0.00001; TOPMed 0.00001; gnomAD exomes 0.00002 and 0.00003.
gnomAD v4.1: 45 of 1,613,936 alleles (0.0028%); highest among the groups gnomAD compares: Non-Finnish European, 0.0036%; no homozygotes.

Submissions (2):

Labcorp Genetics (formerly Invitae), Labcorp
Classification: Uncertain significance for Neuronopathy, distal hereditary motor, autosomal recessive 4; Charcot-Marie-Tooth disease recessive intermediate C. Last evaluated: 2022-02-20. Review status: criteria provided, single submitter. Criteria: Invitae Variant Classification Sherloc (09022015). Collection method: clinical testing. Allele origin: germline.
Comment: This sequence change replaces glutamic acid, which is acidic and polar, with lysine, which is basic and polar, at codon 581 of the PLEKHG5 protein (p.Glu581Lys). This variant is present in population databases (rs267598690, gnomAD 0.004%). This variant has not been reported in the literature in individuals affected with PLEKHG5-related conditions. ClinVar contains an entry for this variant (Variation ID: 73890). Algorithms developed to predict the effect of missense changes on protein structure and function (SIFT, PolyPhen-2, Align-GVGD) all suggest that this variant is likely to be tolerated. In summary, the available evidence is currently insufficient to determine the role of this variant in disease. Therefore, it has been classified as a Variant of Uncertain Significance.

GeneDx
Classification: Uncertain significance. Last evaluated: 2020-03-26. Review status: criteria provided, single submitter. Criteria: GeneDx Variant Classification Process June 2021. Collection method: clinical testing. Allele origin: germline. Affected: yes.
Comment: Not observed at a significant frequency in large population cohorts (Lek et al., 2016); In silico analysis, which includes protein predictors and evolutionary conservation, supports that this variant does not alter protein structure/function; Has not been previously published as pathogenic or benign to our knowledge

NM_020631.6(PLEKHG5):c.1741G>A (p.Glu581Lys)

Gene: PLEKHG5 (pleckstrin homology and RhoGEF domain containing G5; minus strand). Cytogenetic location: 1p36.31.
Variant type: single nucleotide variant.
Coding change: c.1741G>A on transcript NM_020631.6 (MANE Select); coding-DNA position 1741, G replaced by A.
Protein change: p.Glu581Lys; replaces glutamic acid 581 with lysine.
Molecular consequence: missense variant.
Genome position (GRCh38, 1-based): chr1:6,470,295, C>T on the plus strand (G>A on the coding strand, the complement: PLEKHG5 is on the minus strand). VCF-style: chr1-6470295-C-T. GRCh37 (hg19) VCF-style: chr1-6530355-C-T.
Other names: c.1948G>A, p.Glu650Lys (NM_001265593.2); c.1741G>A, p.Glu581Lys (NM_001265594.3, NM_198681.4, NM_001042664.2 and 1 more transcripts); c.1852G>A, p.Glu618Lys (NM_001042663.3, NM_001265592.2); short protein forms E581K, E650K, E618K.
Identifiers: ClinVar variation 73890 (VCV000073890.11), dbSNP rs267598690, ClinGen allele CA561383.